The following is an entry in ClinVar:

ClinVar aggregate classification (germline): Pathogenic (1 of 4 stars; one submission).

Conditions:
Hyperinsulinemic hypoglycemia, familial, 1 (HHF1). Also called: HYPERINSULINISM, FAMILIAL, WITH PANCREATIC NESIDIOBLASTOSIS; HYPOGLYCEMIA, HYPERINSULINEMIC, OF INFANCY; NESIDIOBLASTOSIS OF PANCREAS; Persistent Hyperinsulinemia Hypoglycemia of Infancy; Persistent hyperinsulinemic hypoglycemia of infancy. Identifiers: Orphanet 276575, Orphanet 276598, MedGen C2931832, MONDO:0009734, OMIM 256450.

Submission:

Myriad Genetics, Inc.
Classification: Pathogenic for Hyperinsulinemic hypoglycemia, familial, 1. Last evaluated: 2024-09-18. Review status: criteria provided, single submitter. Criteria: Myriad Autosomal Dominant, Autosomal Recessive and X-Linked Classification Criteria (2023). Collection method: clinical testing. Allele origin: unknown.
Comment: NM_000352.3(ABCC8):c.1165G>T(G389*) is expected to be pathogenic in the context of familial hyperinsulinism, ABCC8-related. This variant is predicted to lead to an abnormal or absent protein product due to the creation of a premature termination codon in ABCC8, a gene where loss-of-function variants are known to be pathogenic. Please note: this variant was assessed in the context of healthy population screening.

NM_000352.6(ABCC8):c.1165G>T (p.Gly389Ter)

Gene: ABCC8 (ATP binding cassette subfamily C member 8; minus strand). Cytogenetic location: 11p15.1.
Variant type: single nucleotide variant.
Coding change: c.1165G>T on transcript NM_000352.6 (MANE Select); coding-DNA position 1165, G replaced by T.
Protein change: p.Gly389Ter; replaces glycine 389 with a stop codon.
Molecular consequence: nonsense. On other transcripts: non-coding transcript variant (1).
Genome position (GRCh38, 1-based): chr11:17,453,130, C>A on the plus strand (G>T on the coding strand, the complement: ABCC8 is on the minus strand). VCF-style: chr11-17453130-C-A. GRCh37 (hg19) VCF-style: chr11-17474677-C-A.
Other names: c.1165G>T, p.Gly389Ter (NM_001287174.3, NM_001351295.2); c.1162G>T, p.Gly388Ter (NM_001351296.2, NM_001351297.2); short protein forms G388*, G389*.
Identifiers: ClinVar variation 5013562 (VCV005013562.1).